The following is an entry in ClinVar:

NM_152383.5(DIS3L2):c.2429T>G (p.Val810Gly)

Gene: DIS3L2 (DIS3 like 3'-5' exoribonuclease 2; plus strand). Cytogenetic location: 2q37.1.
Variant type: single nucleotide variant.
Coding change: c.2429T>G on transcript NM_152383.5 (MANE Select); coding-DNA position 2429, T replaced by G.
Protein change: p.Val810Gly; replaces valine 810 with glycine.
Molecular consequence: missense variant. On other transcripts: non-coding transcript variant (2), intron variant (1).
Genome position (GRCh38, 1-based): chr2:232,335,807, T>G. VCF-style: chr2-232335807-T-G. GRCh37 (hg19) VCF-style: chr2-233200517-T-G.
Other names: c.1582-7538T>G (NM_001257281.2); short protein forms V810G.
Identifiers: ClinVar variation 1396783 (VCV001396783.6), dbSNP rs1185262867, ClinGen allele CA350978210.

ClinVar aggregate classification (germline): Uncertain significance (1 of 4 stars; one submission).

Conditions:
Perlman syndrome (PRLMNS). Identifiers: Orphanet 2849, MedGen C0796113, MONDO:0009965, OMIM 267000.

Submission:

Labcorp Genetics (formerly Invitae), Labcorp
Classification: Uncertain significance for Perlman syndrome. Last evaluated: 2021-12-11. Review status: criteria provided, single submitter. Criteria: Invitae Variant Classification Sherloc (09022015). Collection method: clinical testing. Allele origin: germline.
Comment: In summary, the available evidence is currently insufficient to determine the role of this variant in disease. Therefore, it has been classified as a Variant of Uncertain Significance. Algorithms developed to predict the effect of missense changes on protein structure and function are either unavailable or do not agree on the potential impact of this missense change (SIFT: "Deleterious"; PolyPhen-2: "Benign"; Align-GVGD: "Class C0"). This variant has not been reported in the literature in individuals affected with DIS3L2-related conditions. This variant is not present in population databases (gnomAD no frequency). This sequence change replaces valine, which is neutral and non-polar, with glycine, which is neutral and non-polar, at codon 810 of the DIS3L2 protein (p.Val810Gly).